The following is an entry in ClinVar:

ClinVar aggregate classification (germline): Pathogenic/Likely pathogenic. Review status: criteria provided, multiple submitters, no conflicts (2 of 4 stars). 2 submissions from 2 submitters: Pathogenic (1); Likely pathogenic (1). Last evaluated 2023-04-25.

Conditions:
Charcot-Marie-Tooth disease, type I (CMT1). Also called: Charcot-Marie-Tooth disease type 1; Charcot-Marie-Tooth, Type 1. Identifiers: Orphanet 65753, MedGen C0751036, MONDO:0019011.

Submissions (2):

Labcorp Genetics (formerly Invitae), Labcorp
Classification: Likely pathogenic for Charcot-Marie-Tooth disease, type I. Last evaluated: 2023-04-25. Review status: criteria provided, single submitter. Criteria: Invitae Variant Classification Sherloc (09022015). Collection method: clinical testing. Allele origin: germline.
Comment: In summary, the currently available evidence indicates that the variant is pathogenic, but additional data are needed to prove that conclusively. Therefore, this variant has been classified as Likely Pathogenic. Algorithms developed to predict the effect of sequence changes on RNA splicing suggest that this variant may disrupt the consensus splice site. ClinVar contains an entry for this variant (Variation ID: 372846). This variant has not been reported in the literature in individuals affected with MPZ-related conditions. This variant is not present in population databases (gnomAD no frequency). This sequence change affects an acceptor splice site in intron 1 of the MPZ gene. It is expected to disrupt RNA splicing. Variants that disrupt the donor or acceptor splice site typically lead to a loss of protein function (PMID: 16199547), and loss-of-function variants in MPZ are known to be pathogenic (PMID: 14711881).

GeneDx
Classification: Pathogenic. Last evaluated: 2015-12-30. Review status: criteria provided, single submitter. Criteria: GeneDx Variant Classification (06012015). Collection method: clinical testing. Allele origin: germline. Affected: yes.
Comment: The c.68-1 G>C splice site variant in the MPZ gene destroys the canonical splice acceptor site in intron 1. It is predicted to cause abnormal gene splicing, either leading to an abnormal message that is subject to nonsense-mediated mRNA decay, or to an abnormal protein product if the message is used for protein translation. It was not observed in approximately 6,500 individuals of European and African American ancestry in the NHLBI Exome Sequencing Project, indicating it is not a common benign variant in these populations. Additionally, this substitution occurs at a position that is conserved across species.

Literature cited by the submitters: PubMed 16199547 (cited by Labcorp Genetics (formerly Invitae), Labcorp); PubMed 14711881 (cited by Labcorp Genetics (formerly Invitae), Labcorp).

NM_000530.8(MPZ):c.68-1G>C

Gene: MPZ (myelin protein zero; minus strand). Cytogenetic location: 1q23.3.
Variant type: single nucleotide variant.
Coding change: c.68-1G>C on transcript NM_000530.8 (MANE Select); the canonical splice acceptor site of the intron before coding-DNA position 68, G replaced by C.
Molecular consequence: splice acceptor variant.
Genome position (GRCh38, 1-based): chr1:161,307,425, C>G on the plus strand (G>C on the coding strand, the complement: MPZ is on the minus strand). VCF-style: chr1-161307425-C-G. GRCh37 (hg19) VCF-style: chr1-161277215-C-G.
Other names: c.68-1G>C (NM_001315491.2).
Identifiers: ClinVar variation 372846 (VCV000372846.5), dbSNP rs1057518021, ClinGen allele CA16042314.